The following is an entry in ClinVar:

ClinVar aggregate classification (germline): Uncertain significance (1 of 4 stars; one submission).

Conditions:
Walker-Warburg congenital muscular dystrophy. Also called: Muscular dystrophy-dystroglycanopathy, type A; Walker-Warburg syndrome. Identifiers: Orphanet 899, MedGen C0265221, MONDO:0000171.

Allele frequency attached by ClinVar (database versions not stated): gnomAD exomes below 0.00001; TOPMed below 0.00001.
gnomAD v4.1: 2 of 1,612,916 alleles (0.00012%); highest among the groups gnomAD compares: Admixed American, 0.0033%; no homozygotes.

Submission:

Labcorp Genetics (formerly Invitae), Labcorp
Classification: Uncertain significance for Walker-Warburg congenital muscular dystrophy. Last evaluated: 2022-02-14. Review status: criteria provided, single submitter. Criteria: Invitae Variant Classification Sherloc (09022015). Collection method: clinical testing. Allele origin: germline.
Comment: This sequence change replaces cysteine, which is neutral and slightly polar, with serine, which is neutral and polar, at codon 137 of the FKTN protein (p.Cys137Ser). This variant is present in population databases (no rsID available, gnomAD 0.003%). This variant has not been reported in the literature in individuals affected with FKTN-related conditions. Algorithms developed to predict the effect of missense changes on protein structure and function are either unavailable or do not agree on the potential impact of this missense change (SIFT: "Deleterious"; PolyPhen-2: "Benign"; Align-GVGD: "Class C0"). In summary, the available evidence is currently insufficient to determine the role of this variant in disease. Therefore, it has been classified as a Variant of Uncertain Significance.

NM_001079802.2(FKTN):c.409T>A (p.Cys137Ser)

Gene: FKTN (fukutin; plus strand). Cytogenetic location: 9q31.2.
Variant type: single nucleotide variant.
Coding change: c.409T>A on transcript NM_001079802.2 (MANE Select); coding-DNA position 409, T replaced by A.
Protein change: p.Cys137Ser; replaces cysteine 137 with serine.
Molecular consequence: missense variant. On other transcripts: non-coding transcript variant (2).
Genome position (GRCh38, 1-based): chr9:105,604,254, T>A. VCF-style: chr9-105604254-T-A. GRCh37 (hg19) VCF-style: chr9-108366535-T-A.
Other names: c.409T>A, p.Cys137Ser (NM_001198963.2, NM_001351496.2, NM_001351498.2 and 1 more transcripts); c.340T>A, p.Cys114Ser (NM_001351497.2); c.13T>A, p.Cys5Ser (NM_001351499.2, NM_001351500.2, NM_001351501.2 and 1 more transcripts); short protein forms C114S, C5S, C137S.
Identifiers: ClinVar variation 2144062 (VCV002144062.1), dbSNP rs958771636, ClinGen allele CA197437444.